The following is an entry in ClinVar:

ClinVar aggregate classification (germline): Uncertain significance (1 of 4 stars; one submission).

Submission:

Labcorp Genetics (formerly Invitae), Labcorp
Classification: Uncertain significance. Last evaluated: 2020-07-13. Review status: criteria provided, single submitter. Criteria: Invitae Variant Classification Sherloc (09022015). Collection method: clinical testing. Allele origin: germline.
Comment: Algorithms developed to predict the effect of missense changes on protein structure and function (SIFT, PolyPhen-2, Align-GVGD) all suggest that this variant is likely to be tolerated, but these predictions have not been confirmed by published functional studies and their clinical significance is uncertain. In summary, the available evidence is currently insufficient to determine the role of this variant in disease. Therefore, it has been classified as a Variant of Uncertain Significance. This variant has not been reported in the literature in individuals with CNNM4-related conditions. This variant is not present in population databases (ExAC no frequency). This sequence change replaces serine with alanine at codon 69 of the CNNM4 protein (p.Ser69Ala). The serine residue is weakly conserved and there is a moderate physicochemical difference between serine and alanine.

NM_020184.4(CNNM4):c.205T>G (p.Ser69Ala)

Gene: CNNM4 (cyclin and CBS domain divalent metal cation transport mediator 4; plus strand). Cytogenetic location: 2q11.2.
Variant type: single nucleotide variant.
Coding change: c.205T>G on transcript NM_020184.4 (MANE Select); coding-DNA position 205, T replaced by G.
Protein change: p.Ser69Ala; replaces serine 69 with alanine.
Molecular consequence: missense variant.
Genome position (GRCh38, 1-based): chr2:96,761,204, T>G. VCF-style: chr2-96761204-T-G. GRCh37 (hg19) VCF-style: chr2-97426941-T-G.
Other names: short protein forms S69A.
Identifiers: ClinVar variation 1025780 (VCV001025780.8), dbSNP rs2078757718, ClinGen allele CA347711582.